The following is an entry in ClinVar:

ClinVar aggregate classification (germline): Uncertain significance. Review status: criteria provided, multiple submitters, no conflicts (2 of 4 stars). 2 submissions from 2 submitters: Uncertain significance (2). Last evaluated 2024-06-07.

Conditions:
Inborn genetic diseases. Identifiers: MedGen C0950123, MeSH D030342.

Allele frequency attached by ClinVar (database versions not stated): gnomAD exomes 0.00002; TOPMed 0.00002; ExAC 0.00003; gnomAD 0.00004 and 0.00005; 1000 Genomes Project 0.00020; 1000 Genomes Project 30x 0.00031.

Submissions (2):

Ambry Genetics
Classification: Uncertain significance for Inborn genetic diseases. Last evaluated: 2024-06-07. Review status: criteria provided, single submitter. Criteria: Ambry Variant Classification Scheme 2023. Collection method: clinical testing. Allele origin: germline.

Labcorp Genetics (formerly Invitae), Labcorp
Classification: Uncertain significance. Last evaluated: 2024-02-17. Review status: criteria provided, single submitter. Criteria: Invitae Variant Classification Sherloc (09022015). Collection method: clinical testing. Allele origin: germline.
Comment: This sequence change replaces valine, which is neutral and non-polar, with isoleucine, which is neutral and non-polar, at codon 415 of the WDR1 protein (p.Val415Ile). This variant is present in population databases (rs180996365, gnomAD 0.006%). This variant has not been reported in the literature in individuals affected with WDR1-related conditions. ClinVar contains an entry for this variant (Variation ID: 1404962). An algorithm developed to predict the effect of missense changes on protein structure and function (PolyPhen-2) suggests that this variant¬†is likely to be tolerated. In summary, the available evidence is currently insufficient to determine the role of this variant in disease. Therefore, it has been classified as a Variant of Uncertain Significance.

NM_017491.5(WDR1):c.1243G>A (p.Val415Ile)

Gene: WDR1 (WD repeat domain 1; minus strand). Cytogenetic location: 4p16.1.
Variant type: single nucleotide variant.
Coding change: c.1243G>A on transcript NM_017491.5 (MANE Select); coding-DNA position 1243, G replaced by A.
Protein change: p.Val415Ile; replaces valine 415 with isoleucine.
Molecular consequence: missense variant.
Genome position (GRCh38, 1-based): chr4:10,081,398, C>T on the plus strand (G>A on the coding strand, the complement: WDR1 is on the minus strand). VCF-style: chr4-10081398-C-T. GRCh37 (hg19) VCF-style: chr4-10083022-C-T.
Other names: c.823G>A, p.Val275Ile (NM_005112.5); c.1243G>A (NM_017491.3); short protein forms V415I, V275I.
Identifiers: ClinVar variation 1404962 (VCV001404962.5), dbSNP rs180996365, ClinGen allele CA2857671.
Genomic context (GRCh38, chr4:10,081,398, plus strand): 5'-CACTAAGCCAGGTCCCTACCTGTCCAATGCACACGACCACGGCGTATCCCCCGGGGCCGA[C>T]GGCTACGCACTTTGGCTGAACGTCCAGTTTCACAACTCCTTGTCCGCTGTTAGAGAGAAA-3'
Protein context (NP_059830.1, residues 405-425): KLDVQPKCVA[Val415Ile]GPGGYAVVVC